The following is an entry in ClinVar:

NM_004415.4(DSP):c.6498dup (p.Asp2167fs)

Gene: DSP (desmoplakin; plus strand). Cytogenetic location: 6p24.3.
Variant type: Duplication.
Coding change: c.6498dup on transcript NM_004415.4 (MANE Select); coding-DNA position 6498, one base duplicated (A; older notation c.6498dupA).
Protein change: p.Asp2167fs; shifts the reading frame from aspartic acid 2167.
Molecular consequence: frameshift variant.
Genome position (GRCh38, 1-based): chr6:7,583,760, A duplicated. VCF-style (leftmost placement, unchanged base first): chr6-7583759-G-GA. GRCh37 (hg19) VCF-style: chr6-7583992-G-GA.
Other names: c.4701dup, p.Asp1568fs (NM_001008844.3); c.5169dup, p.Asp1724fs (NM_001319034.2); short protein forms D1568fs, D1724fs, D2167fs.
Identifiers: ClinVar variation 3757889 (VCV003757889.2).

ClinVar aggregate classification (germline): Pathogenic (1 of 4 stars; one submission).

Conditions:
Arrhythmogenic cardiomyopathy with wooly hair and keratoderma. Also called: PALMOPLANTAR KERATODERMA WITH LEFT VENTRICULAR CARDIOMYOPATHY AND WOOLLY HAIR; Carvajal syndrome; Dilated cardiomyopathy with woolly hair and keratoderma; Arrhythmogenic cardiomyopathy with woolly hair and keratoderma. Identifiers: Orphanet 65282, MedGen C1854063, MONDO:0011581, OMIM 605676.
Arrhythmogenic right ventricular dysplasia 8 (ARVD8). Also called: Arrhythmogenic Right Ventricular Dysplasia/Cardiomyopathy 8; ARRHYTHMOGENIC RIGHT VENTRICULAR DYSPLASIA, FAMILIAL, 8; ARRHYTHMOGENIC RIGHT VENTRICULAR CARDIOMYOPATHY 8. Identifiers: MedGen C1843896, MONDO:0011831, OMIM 607450.

Submission:

Labcorp Genetics (formerly Invitae), Labcorp
Classification: Pathogenic for Arrhythmogenic cardiomyopathy with wooly hair and keratoderma; Arrhythmogenic right ventricular dysplasia 8. Last evaluated: 2024-08-29. Review status: criteria provided, single submitter. Criteria: Invitae Variant Classification Sherloc (09022015). Collection method: clinical testing. Allele origin: germline.
Comment: This sequence change creates a premature translational stop signal (p.Asp2167Argfs*2) in the DSP gene. While this is not anticipated to result in nonsense mediated decay, it is expected to disrupt the last 705 amino acid(s) of the DSP protein. This variant is not present in population databases (gnomAD no frequency). This variant has not been reported in the literature in individuals affected with DSP-related conditions. This variant disrupts a region of the DSP protein in which other variant(s) (p.Glu2728Glyfs*11) have been determined to be pathogenic (internal data). This suggests that this is a clinically significant region of the protein, and that variants that disrupt it are likely to be disease-causing. For these reasons, this variant has been classified as Pathogenic.